The following is an entry in ClinVar:

ClinVar aggregate classification (germline): Likely pathogenic. Review status: criteria provided, single submitter (1 of 4 stars). 2 submissions from 2 submitters: Likely pathogenic (1). 1 of the submissions does not count toward it. Last evaluated 2023-04-26.

Conditions:
Keratoderma-ichthyosis-deafness syndrome, autosomal recessive (KDIDAR). Identifiers: MedGen C5774200, MONDO:0859278, OMIM 620009.

Submissions (2):

Institute of Human Genetics, University of Leipzig Medical Center
Classification: Likely pathogenic for Keratoderma-ichthyosis-deafness syndrome, autosomal recessive. Last evaluated: 2023-04-26. Review status: criteria provided, single submitter. Criteria: ACMG Guidelines, 2015. Collection method: clinical testing. Allele origin: paternal. Affected: yes.
Comment: This variant was identified as compound heterozygous withNM_018668.5:c.1246C>T. Criteria applied: PM3_STR, PM2_SUP, PP4

OMIM
Classification: Pathogenic for KERATODERMA-ICHTHYOSIS-DEAFNESS SYNDROME, AUTOSOMAL RECESSIVE. Last evaluated: 2022-08-18. Review status: no assertion criteria provided. Collection method: literature only. Allele origin: germline. Not counted in ClinVar's aggregate classification.

Literature cited by the submitters: PubMed 28017832 (cited by OMIM); PubMed 30561130 (cited by OMIM).

NM_018668.5(VPS33B):c.390_392delinsAGA (p.Gly131Glu)

Gene: VPS33B (VPS33B late endosome and lysosome associated; minus strand). Cytogenetic location: 15q26.1.
Variant type: Indel.
Coding change: c.390_392delinsAGA on transcript NM_018668.5 (MANE Select); coding-DNA positions 390 to 392, GGG replaced by AGA.
Protein change: p.Gly131Glu; replaces glycine 131 with glutamic acid.
Molecular consequence: missense variant.
Genome position (GRCh38, 1-based): chr15:91,009,812-91,009,814, CCC replaced by TCT on the plus strand (GGG replaced by AGA on the coding strand, the reverse complement: VPS33B is on the minus strand). VCF-style: chr15-91009812-CCC-TCT. GRCh37 (hg19) VCF-style: chr15-91553042-CCC-TCT.
Other names: c.309_311delinsAGA, p.Gly104Glu (NM_001289148.1); c.117_119delinsAGA, p.Gly40Glu (NM_001289149.1); short protein forms G131E, G104E, G40E.
Identifiers: ClinVar variation 1701814 (VCV001701814.2), dbSNP rs2151674862, ClinGen allele CA2573332264.